The following is an entry in ClinVar:

ClinVar aggregate classification (germline): Uncertain significance (1 of 4 stars; one submission).

Conditions:
Mendelian susceptibility to mycobacterial diseases due to partial STAT1 deficiency. Also called: IMMUNODEFICIENCY 31A, MYCOBACTERIOSIS, AUTOSOMAL DOMINANT; STAT1 DEFICIENCY, AUTOSOMAL DOMINANT; Immunodeficiency 31a. Identifiers: Orphanet 319595, MedGen C4013950, MONDO:0013956, OMIM 614892.
Immunodeficiency 31B. Also called: STAT1 DEFICIENCY, AUTOSOMAL RECESSIVE; IMMUNODEFICIENCY 31B, MYCOBACTERIAL AND VIRAL INFECTIONS, AUTOSOMAL RECESSIVE. Identifiers: Orphanet 391311, MedGen C3151088, MONDO:0013427, OMIM 613796.
Autoimmune enteropathy and endocrinopathy - susceptibility to chronic infections syndrome. Also called: Immunodeficiency 31C, autosomal dominant; Immunodeficiency 31C. Identifiers: Orphanet 391487, MedGen C3279990, MONDO:0013599, OMIM 614162.

Submission:

Labcorp Genetics (formerly Invitae), Labcorp
Classification: Uncertain significance for Mendelian susceptibility to mycobacterial diseases due to partial STAT1 deficiency; Immunodeficiency 31B; Autoimmune enteropathy and endocrinopathy - susceptibility to chronic infections syndrome. Last evaluated: 2019-10-24. Review status: criteria provided, single submitter. Criteria: Invitae Variant Classification Sherloc (09022015). Collection method: clinical testing. Allele origin: germline.
Comment: In summary, the available evidence is currently insufficient to determine the role of this variant in disease. Therefore, it has been classified as a Variant of Uncertain Significance. Nucleotide substitutions within the consensus splice site are a relatively common cause of aberrant splicing (PMID: 17576681, 9536098). Algorithms developed to predict the effect of sequence changes on RNA splicing suggest that this variant is not likely to affect RNA splicing, but this prediction has not been confirmed by published transcriptional studies. This variant has not been reported in the literature in individuals with STAT1-related conditions. This variant is not present in population databases (ExAC no frequency). This sequence change falls in intron 22 of the STAT1 gene. It does not directly change the encoded amino acid sequence of the STAT1 protein, but it affects a nucleotide within the consensus splice site of the intron.

Literature cited by the submitters: PubMed 17576681; PubMed 9536098.

NM_007315.4(STAT1):c.2059+6_2059+7del

Gene: STAT1 (signal transducer and activator of transcription 1; minus strand). Cytogenetic location: 2q32.2.
Variant type: Deletion.
Coding change: c.2059+6_2059+7del on transcript NM_007315.4 (MANE Select); bases 6 to 7 of the intron after coding-DNA position 2059, 2 bases deleted (TG; older notation c.2059+6_2059+7delTG).
Molecular consequence: intron variant.
Genome position (GRCh38, 1-based): chr2:190,976,833-190,976,834, CA deleted on the plus strand (TG on the coding strand, the reverse complement: STAT1 is on the minus strand); deleting any 2 consecutive bases within chr2:190,976,833-190,976,835 gives the same sequence; the c. name uses the placement nearest the transcript's 3' end. VCF-style (leftmost placement, unchanged base first): chr2-190976832-CCA-C. GRCh37 (hg19) VCF-style: chr2-191841558-CCA-C.
Other names: c.1969+6_1969+7del (NM_001384890.1); c.1960+6_1960+7del (NM_001384883.1); c.1900+6_1900+7del (NM_001384885.1); c.1966+6_1966+7del (NM_001384887.1); c.1999+6_1999+7del (NM_001384880.1); c.2029+6_2029+7del (NM_001384888.1); c.2053+6_2053+7del (NM_001384882.1); c.2059+6_2059+7del (NM_001384889.1, NM_001384886.1, NM_139266.3); and 3 more.
Identifiers: ClinVar variation 955737 (VCV000955737.9), dbSNP rs1691942843, ClinGen allele CA1139657580.